The following is an entry in ClinVar:

NM_139076.3(ABRAXAS1):c.25G>A (p.Val9Met)

Genes: ABRAXAS1 (abraxas 1, BRCA1 A complex subunit; minus strand), LOC129992784 (ATAC-STARR-seq lymphoblastoid silent region 15542; plus strand). Cytogenetic location: 4q21.23.
Variant type: single nucleotide variant.
Coding change: c.25G>A on transcript NM_139076.3 (MANE Select); coding-DNA position 25, G replaced by A.
Protein change: p.Val9Met; replaces valine 9 with methionine.
Molecular consequence: missense variant. On other transcripts: 5 prime UTR variant (1).
Genome position (GRCh38, 1-based): chr4:83,485,048, C>T on the plus strand (G>A on the coding strand, the complement: ABRAXAS1 is on the minus strand). VCF-style: chr4-83485048-C-T. GRCh37 (hg19) VCF-style: chr4-84406201-C-T.
Other names: c.-236G>A (NM_001345962.2); short protein forms V9M.
Identifiers: ClinVar variation 1800344 (VCV001800344.2), dbSNP rs2529472975, ClinGen allele CA357264063.

ClinVar aggregate classification (germline): Uncertain significance (1 of 4 stars; one submission).

Allele frequency attached by ClinVar (database versions not stated): gnomAD exomes below 0.00001.

Submission:

Ambry Genetics
Classification: Uncertain significance. Last evaluated: 2021-07-27. Review status: criteria provided, single submitter. Criteria: Ambry Variant Classification Scheme 2023. Collection method: clinical testing. Allele origin: germline.
Comment: The p.V9M variant (also known as c.25G>A), located in coding exon 1 of the FAM175A gene, results from a G to A substitution at nucleotide position 25. The valine at codon 9 is replaced by methionine, an amino acid with highly similar properties. This amino acid position is conserved. In addition, this alteration is predicted to be tolerated by in silico analysis. Since supporting evidence is limited at this time, the clinical significance of this alteration remains unclear.